The following is an entry in ClinVar:

NM_031407.7(HUWE1):c.12603G>C (p.Glu4201Asp)

Gene: HUWE1 (HECT, UBA and WWE domain containing E3 ubiquitin protein ligase 1; minus strand). Cytogenetic location: Xp11.22.
Variant type: single nucleotide variant.
Coding change: c.12603G>C on transcript NM_031407.7 (MANE Select); coding-DNA position 12603, G replaced by C.
Protein change: p.Glu4201Asp; replaces glutamic acid 4201 with aspartic acid.
Molecular consequence: missense variant.
Genome position (GRCh38, 1-based): chrX:53,535,430, C>G on the plus strand (G>C on the coding strand, the complement: HUWE1 is on the minus strand). VCF-style: chrX-53535430-C-G. GRCh37 (hg19) VCF-style: chrX-53562391-C-G.
Other names: short protein forms E4201D.
Identifiers: ClinVar variation 2499139 (VCV002499139.29), dbSNP rs782518860, ClinGen allele CA10421178.

ClinVar aggregate classification (germline): Conflicting classifications of pathogenicity. Review status: criteria provided, conflicting classifications (1 of 4 stars). 2 submissions from 2 submitters: Uncertain significance (1); Likely benign (1). Last evaluated 2025-10-01.

Conditions:
Inborn genetic diseases. Identifiers: MedGen C0950123, MeSH D030342.

Allele frequency attached by ClinVar (database versions not stated): ExAC 0.00001; gnomAD 0.00002; TOPMed 0.00003; gnomAD exomes 0.00004.
gnomAD v4.1: 48 of 1,206,404 alleles (0.004%); highest among the groups gnomAD compares: Non-Finnish European, 0.0052%; no homozygotes.

Submissions (2):

CeGaT Center for Human Genetics Tuebingen
Classification: Likely benign. Last evaluated: 2025-10-01. Review status: criteria provided, single submitter. Criteria: CeGaT Center For Human Genetics Tuebingen Variant Classification Criteria Version 2. Collection method: clinical testing. Allele origin: germline. Affected: yes. Observed: 2 variant alleles.
Comment: HUWE1: PP2, BS2

Ambry Genetics
Classification: Uncertain significance for Inborn genetic diseases. Last evaluated: 2023-12-11. Review status: criteria provided, single submitter. Criteria: Ambry Variant Classification Scheme 2023. Collection method: clinical testing. Allele origin: germline.